The following is an entry in ClinVar:

ClinVar aggregate classification (germline): Uncertain significance. Review status: criteria provided, multiple submitters, no conflicts (2 of 4 stars). 2 submissions from 2 submitters: Uncertain significance (2). Last evaluated 2025-03-01.

gnomAD v4.1: 1 of 1,561,742 alleles (0.000064%); no homozygotes.

Submissions (2):

GeneDx
Classification: Uncertain significance. Last evaluated: 2025-03-01. Review status: criteria provided, single submitter. Criteria: GeneDx Variant Classification Process June 2021. Collection method: clinical testing. Allele origin: germline.
Comment: Not observed at significant frequency in large population cohorts (gnomAD); In silico analysis supports that this missense variant has a deleterious effect on protein structure/function; Has not been previously published as pathogenic or benign to our knowledge

Blueprint Genetics
Classification: Uncertain significance. Last evaluated: 2022-09-23. Review status: criteria provided, single submitter. Criteria: ACMG Guidelines, 2015. Collection method: clinical testing. Allele origin: germline.

NM_078480.3(PUF60):c.1339G>A (p.Ala447Thr)

Gene: PUF60 (poly(U) binding splicing factor 60; minus strand). Cytogenetic location: 8q24.3.
Variant type: single nucleotide variant.
Coding change: c.1339G>A on transcript NM_078480.3 (MANE Select); coding-DNA position 1339, G replaced by A.
Protein change: p.Ala447Thr; replaces alanine 447 with threonine.
Molecular consequence: missense variant.
Genome position (GRCh38, 1-based): chr8:143,816,951, C>T on the plus strand (G>A on the coding strand, the complement: PUF60 is on the minus strand). VCF-style: chr8-143816951-C-T. GRCh37 (hg19) VCF-style: chr8-144899121-C-T.
Other names: c.1210G>A, p.Ala404Thr (NM_001136033.3); c.1285G>A, p.Ala429Thr (NM_001271096.2); c.1201G>A, p.Ala401Thr (NM_001271097.2); c.1336G>A, p.Ala446Thr (NM_001271098.2); c.1252G>A, p.Ala418Thr (NM_001271099.2); c.1159G>A, p.Ala387Thr (NM_001271100.2); c.1450G>A, p.Ala484Thr (NM_001362895.2, NM_001362896.2); c.1399G>A, p.Ala467Thr (NM_001362897.2); and 1 more; short protein forms A387T, A401T, A404T, A418T, A429T, A430T, A446T, A447T.
Identifiers: ClinVar variation 3363840 (VCV003363840.2).